The following is an entry in ClinVar:

ClinVar aggregate classification (germline): Uncertain significance (1 of 4 stars; one submission).

Conditions:
Primary ciliary dyskinesia 16. Also called: CILIARY DYSKINESIA, PRIMARY, 16, WITH OR WITHOUT SITUS INVERSUS. Identifiers: Orphanet 244, MedGen C3151460, MONDO:0013525, OMIM 614017.

Allele frequency attached by ClinVar (database versions not stated): gnomAD exomes below 0.00001.
gnomAD v4.1: 1 of 1,570,138 alleles (0.000064%); highest among the groups gnomAD compares: Non-Finnish European, 0.000086%; no homozygotes.

Submission:

Labcorp Genetics (formerly Invitae), Labcorp
Classification: Uncertain significance for Ciliary dyskinesia, primary, 16. Last evaluated: 2018-11-30. Review status: criteria provided, single submitter. Criteria: Invitae Variant Classification Sherloc (09022015). Collection method: clinical testing. Allele origin: germline.
Comment: This sequence change replaces alanine with serine at codon 158 of the DNAL1 protein (p.Ala158Ser). The alanine residue is moderately conserved and there is a moderate physicochemical difference between alanine and serine. This variant is not present in population databases (ExAC no frequency). This variant has not been reported in the literature in individuals with DNAL1-related disease. Algorithms developed to predict the effect of missense changes on protein structure and function output the following: SIFT: "Tolerated"; PolyPhen-2: "Benign"; Align-GVGD: "Class C0". The serine amino acid residue is found in multiple mammalian species, suggesting that this missense change does not adversely affect protein function. These predictions have not been confirmed by published functional studies and their clinical significance is uncertain. In summary, the available evidence is currently insufficient to determine the role of this variant in disease. Therefore, it has been classified as a Variant of Uncertain Significance.

NM_031427.4(DNAL1):c.472G>T (p.Ala158Ser)

Gene: DNAL1 (dynein axonemal light chain 1; plus strand). Cytogenetic location: 14q24.3.
Variant type: single nucleotide variant.
Coding change: c.472G>T on transcript NM_031427.4 (MANE Select); coding-DNA position 472, G replaced by T.
Protein change: p.Ala158Ser; replaces alanine 158 with serine.
Molecular consequence: missense variant.
Genome position (GRCh38, 1-based): chr14:73,689,455, G>T. VCF-style: chr14-73689455-G-T. GRCh37 (hg19) VCF-style: chr14-74156158-G-T.
Other names: c.355G>T, p.Ala119Ser (NM_001201366.2); short protein forms A158S, A119S.
Identifiers: ClinVar variation 661003 (VCV000661003.1), dbSNP rs1595225843, ClinGen allele CA390334281.